The following is an entry in ClinVar:

NM_005219.5(DIAPH1):c.1784T>G (p.Ile595Ser)

Gene: DIAPH1 (diaphanous related formin 1; minus strand). Cytogenetic location: 5q31.3.
Variant type: single nucleotide variant.
Coding change: c.1784T>G on transcript NM_005219.5 (MANE Select); coding-DNA position 1784, T replaced by G.
Protein change: p.Ile595Ser; replaces isoleucine 595 with serine.
Molecular consequence: missense variant.
Genome position (GRCh38, 1-based): chr5:141,574,066, A>C on the plus strand (T>G on the coding strand, the complement: DIAPH1 is on the minus strand). VCF-style: chr5-141574066-A-C. GRCh37 (hg19) VCF-style: chr5-140953633-A-C.
Other names: c.1757T>G, p.Ile586Ser (NM_001079812.3); c.1784T>G, p.Ile595Ser (NM_001314007.2); short protein forms I586S, I595S.
Identifiers: ClinVar variation 1720006 (VCV001720006.6), dbSNP rs374299911, ClinGen allele CA361521238.

ClinVar aggregate classification (germline): Uncertain significance (1 of 4 stars; one submission).

Conditions:
Progressive microcephaly-seizures-cortical blindness-developmental delay syndrome. Also called: Seizures, cortical blindness, and microcephaly syndrome. Identifiers: Orphanet 477814, MedGen C5567650, MONDO:0014714, OMIM 616632.
Autosomal dominant nonsyndromic hearing loss 1. Also called: KONIGSMARK SYNDROME; DEAFNESS, AUTOSOMAL DOMINANT 1, WITH OR WITHOUT THROMBOCYTOPENIA. Identifiers: Orphanet 90635, MedGen C1852282, MONDO:0007424, OMIM 124900.

gnomAD v4.1: 7 of 1,609,180 alleles (0.00044%); highest among the groups gnomAD compares: Non-Finnish European, 0.00059%; no homozygotes.

Submission:

Labcorp Genetics (formerly Invitae), Labcorp
Classification: Uncertain significance for Progressive microcephaly-seizures-cortical blindness-developmental delay syndrome; Autosomal dominant nonsyndromic hearing loss 1. Last evaluated: 2023-05-27. Review status: criteria provided, single submitter. Criteria: Invitae Variant Classification Sherloc (09022015). Collection method: clinical testing. Allele origin: germline.
Comment: In summary, the available evidence is currently insufficient to determine the role of this variant in disease. Therefore, it has been classified as a Variant of Uncertain Significance. This sequence change replaces isoleucine, which is neutral and non-polar, with serine, which is neutral and polar, at codon 595 of the DIAPH1 protein (p.Ile595Ser). This variant is not present in population databases (gnomAD no frequency). This variant has not been reported in the literature in individuals affected with DIAPH1-related conditions. ClinVar contains an entry for this variant (Variation ID: 1720006). Experimental studies and prediction algorithms are not available or were not evaluated, and the functional significance of this variant is currently unknown.